The following is an entry in ClinVar:

NM_001371533.1(FUT8):c.633G>A (p.Val211=)

Gene: FUT8 (fucosyltransferase 8; plus strand). Cytogenetic location: 14q23.3.
Variant type: single nucleotide variant.
Coding change: c.633G>A on transcript NM_001371533.1 (MANE Select); coding-DNA position 633, G replaced by A.
Protein change: p.Val211=; no amino-acid change (valine 211 retained).
Molecular consequence: synonymous variant. On other transcripts: non-coding transcript variant (1).
Genome position (GRCh38, 1-based): chr14:65,669,278, G>A. VCF-style: chr14-65669278-G-A. GRCh37 (hg19) VCF-style: chr14-66135996-G-A.
Other names: c.633G>A, p.Val211= (NM_001371534.1, NM_178155.3, NM_178156.2); c.735G>A, p.Val245= (NM_001371536.1); c.144G>A, p.Val48= (NM_004480.4).
Identifiers: ClinVar variation 3059592 (VCV003059592.2), dbSNP rs776199529, ClinGen allele CA7233301.

ClinVar aggregate classification (germline): Likely benign (0 of 4 stars; one submission).

Conditions:
FUT8-related disorder. Also called: FUT8-related condition.

Allele frequency attached by ClinVar (database versions not stated): gnomAD exomes 0.00001; ExAC 0.00003; gnomAD 0.00003; TOPMed 0.00003.
gnomAD v4.1: 20 of 1,613,674 alleles (0.0012%); highest among the groups gnomAD compares: East Asian, 0.042%; no homozygotes.

Submission:

PreventionGenetics, part of Exact Sciences
Classification: Likely benign for FUT8-related condition. Last evaluated: 2019-04-12. Review status: no assertion criteria provided. Collection method: clinical testing. Allele origin: germline.
Comment: This variant is classified as likely benign based on ACMG/AMP sequence variant interpretation guidelines (Richards et al. 2015 PMID: 25741868, with internal and published modifications).